The following is an entry in ClinVar:

ClinVar aggregate classification (germline): Uncertain significance. Review status: criteria provided, multiple submitters, no conflicts (2 of 4 stars). 2 submissions from 2 submitters: Uncertain significance (2). Last evaluated 2024-12-18.

Conditions:
Familial thoracic aortic aneurysm and aortic dissection (TAAD). Also called: Thoracic aortic aneurysms and dissections. Identifiers: Orphanet 91387, MedGen C4707243, MONDO:0019625.
Marfan syndrome (MFS). Also called: FBN1-Related Marfan Syndrome; MARFAN SYNDROME, TYPE I; Marfan syndrome type 1; Marfan's syndrome; Marfan syndrome, classic. Identifiers: Orphanet 284963, Orphanet 558, MedGen C0024796, MONDO:0007947, OMIM 154700.

Allele frequency attached by ClinVar (database versions not stated): gnomAD 0.00001.
gnomAD v4.1: 1 of 1,613,390 alleles (0.000062%); highest among the groups gnomAD compares: Non-Finnish European, 0.000085%; no homozygotes.

Submissions (2):

Labcorp Genetics (formerly Invitae), Labcorp
Classification: Uncertain significance for Marfan syndrome; Familial thoracic aortic aneurysm and aortic dissection. Last evaluated: 2024-12-18. Review status: criteria provided, single submitter. Criteria: Invitae Variant Classification Sherloc (09022015). Collection method: clinical testing. Allele origin: germline.
Comment: This sequence change replaces isoleucine, which is neutral and non-polar, with leucine, which is neutral and non-polar, at codon 547 of the FBN1 protein (p.Ile547Leu). This variant is not present in population databases (gnomAD no frequency). This variant has not been reported in the literature in individuals affected with FBN1-related conditions. ClinVar contains an entry for this variant (Variation ID: 2773385). Invitae Evidence Modeling of protein sequence and biophysical properties (such as structural, functional, and spatial information, amino acid conservation, physicochemical variation, residue mobility, and thermodynamic stability) indicates that this missense variant is not expected to disrupt FBN1 protein function with a negative predictive value of 95%. In summary, the available evidence is currently insufficient to determine the role of this variant in disease. Therefore, it has been classified as a Variant of Uncertain Significance.

Color Diagnostics, LLC DBA Color Health
Classification: Uncertain significance for Familial thoracic aortic aneurysm and aortic dissection. Last evaluated: 2024-03-06. Review status: criteria provided, single submitter. Criteria: ACMG Guidelines, 2015. Collection method: clinical testing. Allele origin: germline.
Comment: This missense variant replaces isoleucine with leucine at codon 547 of the FBN1 protein. Computational prediction suggests that this variant may not impact protein structure and function (internally defined REVEL score threshold <= 0.5, PMID: 27666373). To our knowledge, functional studies have not been reported for this variant. This variant has not been reported in individuals affected with cardiovascular disorders in the literature. This variant has not been identified in the general population by the Genome Aggregation Database (gnomAD). The available evidence is insufficient to determine the role of this variant in disease conclusively. Therefore, this variant is classified as a Variant of Uncertain Significance.

NM_000138.5(FBN1):c.1639A>C (p.Ile547Leu)

Gene: FBN1 (fibrillin 1; minus strand). Cytogenetic location: 15q21.1.
Variant type: single nucleotide variant.
Coding change: c.1639A>C on transcript NM_000138.5 (MANE Select); coding-DNA position 1639, A replaced by C.
Protein change: p.Ile547Leu; replaces isoleucine 547 with leucine.
Molecular consequence: missense variant.
Genome position (GRCh38, 1-based): chr15:48,510,119, T>G on the plus strand (A>C on the coding strand, the complement: FBN1 is on the minus strand). VCF-style: chr15-48510119-T-G. GRCh37 (hg19) VCF-style: chr15-48802316-T-G.
Other names: c.1639A>C, p.Ile547Leu (NM_001406716.1); short protein forms I547L.
Identifiers: ClinVar variation 2773385 (VCV002773385.5), dbSNP rs759813328, ClinGen allele CA392341190.